The following is an entry in ClinVar:

NM_024407.5(NDUFS7):c.544+20G>A

Gene: NDUFS7 (NADH:ubiquinone oxidoreductase core subunit S7; plus strand). Cytogenetic location: 19p13.3.
Variant type: single nucleotide variant.
Coding change: c.544+20G>A on transcript NM_024407.5 (MANE Select); 20 bases into the intron after coding-DNA position 544, G replaced by A.
Molecular consequence: intron variant.
Genome position (GRCh38, 1-based): chr19:1,393,350, G>A. VCF-style: chr19-1393350-G-A. GRCh37 (hg19) VCF-style: chr19-1393349-G-A.
Other names: c.544+20G>A (NM_001363602.2).
Identifiers: ClinVar variation 214829 (VCV000214829.11), dbSNP rs138762903, ClinGen allele CA324842.

ClinVar aggregate classification (germline): Benign/Likely benign. Review status: criteria provided, multiple submitters, no conflicts (2 of 4 stars). 4 submissions from 4 submitters: Benign (3); Likely benign (1). Last evaluated 2026-01-19.

Allele frequency attached by ClinVar (database versions not stated): gnomAD exomes 0.00037; ExAC 0.00095; 1000 Genomes Project 0.00100; 1000 Genomes Project 30x 0.00109; gnomAD 0.00146 and 0.00160; TOPMed 0.00162; ESP Exome Variant Server 0.00225.
gnomAD v4.1: 556 of 1,549,594 alleles (0.036%); highest among the groups gnomAD compares: African/African-American, 0.52%; 2 homozygotes.

Submissions (4):

Labcorp Genetics (formerly Invitae), Labcorp
Classification: Benign. Last evaluated: 2026-01-19. Review status: criteria provided, single submitter. Criteria: Invitae Variant Classification Sherloc (09022015). Collection method: clinical testing. Allele origin: germline.

Blueprint Genetics
Classification: Likely benign. Last evaluated: 2024-09-04. Review status: criteria provided, single submitter. Criteria: ACMG Guidelines, 2015. Collection method: clinical testing. Allele origin: germline.

GeneDx
Classification: Benign. Last evaluated: 2014-09-16. Review status: criteria provided, single submitter. Criteria: GeneDx Variant Classification (06012015). Collection method: clinical testing. Allele origin: germline. Affected: yes.
Comment: This variant is considered likely benign or benign based on one or more of the following criteria: it is a conservative change, it occurs at a poorly conserved position in the protein, it is predicted to be benign by multiple in silico algorithms, and/or has population frequency not consistent with disease.

Breakthrough Genomics
Classification: Benign. Review status: criteria provided, single submitter. Criteria: ACMG Guidelines, 2015. Collection method: not provided. Allele origin: germline. Inheritance: Autosomal recessive inheritance. Affected: yes.